The following is an entry in ClinVar:

ClinVar aggregate classification (germline): Uncertain significance (1 of 4 stars; one submission).

Conditions:
Myopathy, proximal, and ophthalmoplegia (CMYO6). Also called: MYOPATHY WITH CONGENITAL JOINT CONTRACTURES, OPHTHALMOPLEGIA, AND RIMMED VACUOLES; INCLUSION BODY MYOPATHY 3, AUTOSOMAL DOMINANT; CONGENITAL MYOPATHY 6 WITH OPHTHALMOPLEGIA. Identifiers: Orphanet 363677, Orphanet 79091, MedGen C1854106, MONDO:0011577, OMIM 605637.

Allele frequency attached by ClinVar (database versions not stated): TOPMed below 0.00001; gnomAD exomes 0.00001; ExAC 0.00002.
gnomAD v4.1: 28 of 1,614,058 alleles (0.0017%); highest among the groups gnomAD compares: Non-Finnish European, 0.0024%; no homozygotes.

Submission:

Labcorp Genetics (formerly Invitae), Labcorp
Classification: Uncertain significance for Myopathy, proximal, and ophthalmoplegia. Last evaluated: 2025-03-31. Review status: criteria provided, single submitter. Criteria: Invitae Variant Classification Sherloc (09022015). Collection method: clinical testing. Allele origin: germline.
Comment: This sequence change replaces serine, which is neutral and polar, with phenylalanine, which is neutral and non-polar, at codon 1368 of the MYH2 protein (p.Ser1368Phe). This variant is present in population databases (rs754037459, gnomAD 0.003%). This variant has not been reported in the literature in individuals affected with MYH2-related conditions. ClinVar contains an entry for this variant (Variation ID: 639223). Invitae Evidence Modeling of protein sequence and biophysical properties (such as structural, functional, and spatial information, amino acid conservation, physicochemical variation, residue mobility, and thermodynamic stability) indicates that this missense variant is not expected to disrupt MYH2 protein function with a negative predictive value of 80%. In summary, the available evidence is currently insufficient to determine the role of this variant in disease. Therefore, it has been classified as a Variant of Uncertain Significance.

NM_017534.6(MYH2):c.4103C>T (p.Ser1368Phe)

Genes: MYHAS (myosin heavy chain gene cluster antisense RNA; plus strand), MYH2 (myosin heavy chain 2; minus strand). Cytogenetic location: 17p13.1.
Variant type: single nucleotide variant.
Coding change: c.4103C>T on transcript NM_017534.6 (MANE Select); coding-DNA position 4103, C replaced by T.
Protein change: p.Ser1368Phe; replaces serine 1368 with phenylalanine.
Molecular consequence: missense variant.
Genome position (GRCh38, 1-based): chr17:10,526,683, G>A on the plus strand (C>T on the coding strand, the complement: MYH2 is on the minus strand). VCF-style: chr17-10526683-G-A. GRCh37 (hg19) VCF-style: chr17-10430000-G-A.
Other names: c.4103C>T, p.Ser1368Phe (NM_001100112.2); short protein forms S1368F.
Identifiers: ClinVar variation 639223 (VCV000639223.6), dbSNP rs754037459, ClinGen allele CA8390729.